The following is an entry in ClinVar:

ClinVar aggregate classification (germline): Uncertain significance (1 of 4 stars; one submission).

Allele frequency attached by ClinVar (database versions not stated): TOPMed below 0.00001.

Submission:

Labcorp Genetics (formerly Invitae), Labcorp
Classification: Uncertain significance. Last evaluated: 2023-09-04. Review status: criteria provided, single submitter. Criteria: Invitae Variant Classification Sherloc (09022015). Collection method: clinical testing. Allele origin: germline.
Comment: In summary, the available evidence is currently insufficient to determine the role of this variant in disease. Therefore, it has been classified as a Variant of Uncertain Significance. Advanced modeling of protein sequence and biophysical properties (such as structural, functional, and spatial information, amino acid conservation, physicochemical variation, residue mobility, and thermodynamic stability) performed at Invitae indicates that this missense variant is expected to disrupt DNAH9 protein function. This missense change has been observed in individual(s) with clinical features of primary ciliary dyskinesia (Invitae). This variant is not present in population databases (gnomAD no frequency). This sequence change replaces alanine, which is neutral and non-polar, with valine, which is neutral and non-polar, at codon 3262 of the DNAH9 protein (p.Ala3262Val).

NM_001372.4(DNAH9):c.9785C>T (p.Ala3262Val)

Gene: DNAH9 (dynein axonemal heavy chain 9; plus strand). Cytogenetic location: 17p12.
Variant type: single nucleotide variant.
Coding change: c.9785C>T on transcript NM_001372.4 (MANE Select); coding-DNA position 9785, C replaced by T.
Protein change: p.Ala3262Val; replaces alanine 3262 with valine.
Molecular consequence: missense variant.
Genome position (GRCh38, 1-based): chr17:11,854,280, C>T. VCF-style: chr17-11854280-C-T. GRCh37 (hg19) VCF-style: chr17-11757597-C-T.
Other names: short protein forms A3262V.
Identifiers: ClinVar variation 2758082 (VCV002758082.3), dbSNP rs1971540753, ClinGen allele CA398193110.